The following is an entry in ClinVar:

ClinVar aggregate classification (germline): Uncertain significance (1 of 4 stars; one submission).

Conditions:
Congenital disorder of glycosylation type Ir (CDG1R). Also called: DDOST-congenital disorder of glycosylation. Identifiers: Orphanet 300536, MedGen C3281084, MONDO:0013789, OMIM 614507.

Allele frequency attached by ClinVar (database versions not stated): 1000 Genomes Project 30x 0.00016.
gnomAD v4.1: 3 of 1,614,052 alleles (0.00019%); highest among the groups gnomAD compares: African/African-American, 0.0013%; no homozygotes.

Submission:

Labcorp Genetics (formerly Invitae), Labcorp
Classification: Uncertain significance for Congenital disorder of glycosylation type Ir. Last evaluated: 2022-08-16. Review status: criteria provided, single submitter. Criteria: Invitae Variant Classification Sherloc (09022015). Collection method: clinical testing. Allele origin: germline.
Comment: This variant is present in population databases (rs367807479, gnomAD 0.007%). This sequence change replaces arginine, which is basic and polar, with leucine, which is neutral and non-polar, at codon 307 of the DDOST protein (p.Arg307Leu). In summary, the available evidence is currently insufficient to determine the role of this variant in disease. Therefore, it has been classified as a Variant of Uncertain Significance. Algorithms developed to predict the effect of missense changes on protein structure and function are either unavailable or do not agree on the potential impact of this missense change (SIFT: "Deleterious"; PolyPhen-2: "Probably Damaging"; Align-GVGD: "Class C0"). ClinVar contains an entry for this variant (Variation ID: 1440690). This variant has not been reported in the literature in individuals affected with DDOST-related conditions.

NM_005216.5(DDOST):c.869G>T (p.Arg290Leu)

Gene: DDOST (dolichyl-diphosphooligosaccharide--protein glycosyltransferase non-catalytic subunit; minus strand). Cytogenetic location: 1p36.12.
Variant type: single nucleotide variant.
Coding change: c.869G>T on transcript NM_005216.5 (MANE Select); coding-DNA position 869, G replaced by T.
Protein change: p.Arg290Leu; replaces arginine 290 with leucine.
Molecular consequence: missense variant.
Genome position (GRCh38, 1-based): chr1:20,653,700, C>A on the plus strand (G>T on the coding strand, the complement: DDOST is on the minus strand). VCF-style: chr1-20653700-C-A. GRCh37 (hg19) VCF-style: chr1-20980193-C-A.
Other names: short protein forms R290L.
Identifiers: ClinVar variation 1440690 (VCV001440690.8), dbSNP rs367807479, ClinGen allele CA661103.